The following is an entry in ClinVar:

NM_173483.4(CYP4F22):c.845G>A (p.Arg282Gln)

Gene: CYP4F22 (cytochrome P450 family 4 subfamily F member 22; plus strand). Cytogenetic location: 19p13.12.
Variant type: single nucleotide variant.
Coding change: c.845G>A on transcript NM_173483.4 (MANE Select); coding-DNA position 845, G replaced by A.
Protein change: p.Arg282Gln; replaces arginine 282 with glutamine.
Molecular consequence: missense variant.
Genome position (GRCh38, 1-based): chr19:15,540,623, G>A. VCF-style: chr19-15540623-G-A. GRCh37 (hg19) VCF-style: chr19-15651434-G-A.
Other names: short protein forms R282Q.
Identifiers: ClinVar variation 452538 (VCV000452538.6), dbSNP rs1368806849, ClinGen allele CA404536046.

ClinVar aggregate classification (germline): Conflicting classifications of pathogenicity. Review status: criteria provided, conflicting classifications (1 of 4 stars). 3 submissions from 3 submitters: Likely pathogenic (1); Uncertain significance (2). Last evaluated 2025-01-29.

Allele frequency attached by ClinVar (database versions not stated): gnomAD 0.00001; gnomAD exomes 0.00001 and 0.00002; TOPMed 0.00001.
gnomAD v4.1: 13 of 1,614,112 alleles (0.00081%); highest among the groups gnomAD compares: East Asian, 0.013%; no homozygotes.

Submissions (3):

Women's Health and Genetics/Laboratory Corporation of America, LabCorp
Classification: Uncertain significance. Last evaluated: 2025-01-29. Review status: criteria provided, single submitter. Criteria: LabCorp Variant Classification Summary - May 2015. Collection method: clinical testing. Allele origin: germline.
Comment: Variant summary: CYP4F22 c.845G>A (p.Arg282Gln) results in a conservative amino acid change located in the Cytochrome P450 domain (IPR036396) of the encoded protein sequence. Four of five in-silico tools predict a damaging effect of the variant on protein function. The variant allele was found at a frequency of 1.6e-05 in 251204 control chromosomes. The available data on variant occurrences in the general population are insufficient to allow any conclusion about variant significance. To our knowledge, no occurrence of c.845G>A in individuals affected with Lamellar Ichthyosis and no experimental evidence demonstrating its impact on protein function have been reported. ClinVar contains an entry for this variant (Variation ID: 452538). Based on the evidence outlined above, the variant was classified as uncertain significance.

Labcorp Genetics (formerly Invitae), Labcorp
Classification: Uncertain significance. Last evaluated: 2024-12-06. Review status: criteria provided, single submitter. Criteria: Invitae Variant Classification Sherloc (09022015). Collection method: clinical testing. Allele origin: germline.
Comment: This sequence change replaces arginine, which is basic and polar, with glutamine, which is neutral and polar, at codon 282 of the CYP4F22 protein (p.Arg282Gln). This variant is present in population databases (no rsID available, gnomAD 0.02%). This variant has not been reported in the literature in individuals affected with CYP4F22-related conditions. ClinVar contains an entry for this variant (Variation ID: 452538). Invitae Evidence Modeling of protein sequence and biophysical properties (such as structural, functional, and spatial information, amino acid conservation, physicochemical variation, residue mobility, and thermodynamic stability) has been performed for this missense variant. However, the output from this modeling did not meet the statistical confidence thresholds required to predict the impact of this variant on CYP4F22 protein function. This variant disrupts the p.Arg282 amino acid residue in CYP4F22. Other variant(s) that disrupt this residue have been determined to be pathogenic (PMID: 25998749, 27735052, 34983512, 35014717). This suggests that this residue is clinically significant, and that variants that disrupt this residue are likely to be disease-causing. In summary, the available evidence is currently insufficient to determine the role of this variant in disease. Therefore, it has been classified as a Variant of Uncertain Significance.

GeneDx
Classification: Likely pathogenic. Last evaluated: 2017-10-12. Review status: criteria provided, single submitter. Criteria: GeneDx Variant Classification (06012015). Collection method: clinical testing. Allele origin: germline. Affected: yes.
Comment: The R282Q variant in the CYP4F22 gene has not been reported previously as a pathogenic variant, nor as a benign variant, to our knowledge. The R282Q variant is not observed at a significant frequency in large population cohorts (Lek et al., 2016). The R282Q variant is a semi-conservative amino acid substitution, which may impact secondary protein structure as these residues differ in some properties. This substitution occurs at a position that is conserved across species. In silico analysis predicts this variant is probably damaging to the protein structure/function. A different missense variant in the same codon (R282W) has been reported in association with autosomal recessive congenital ichthyosis (Buckhova et al., 2016; Feng et al., 2017), supporting the functional importance of this region of the protein. Therefore, we interpret R282Q as a likely pathogenic variant.

Literature cited by the submitters: PubMed 25998749 (cited by Labcorp Genetics (formerly Invitae), Labcorp); PubMed 27735052 (cited by Labcorp Genetics (formerly Invitae), Labcorp); PubMed 34983512 (cited by Labcorp Genetics (formerly Invitae), Labcorp); PubMed 35014717 (cited by Labcorp Genetics (formerly Invitae), Labcorp).